The following is an entry in ClinVar:

NM_024306.5(FA2H):c.80T>A (p.Val27Asp)

Genes: FA2H (fatty acid 2-hydroxylase; minus strand), LOC130059394 (ATAC-STARR-seq lymphoblastoid silent region 7701; plus strand). Cytogenetic location: 16q23.1.
Variant type: single nucleotide variant.
Coding change: c.80T>A on transcript NM_024306.5 (MANE Select); coding-DNA position 80, T replaced by A.
Protein change: p.Val27Asp; replaces valine 27 with aspartic acid.
Molecular consequence: missense variant.
Genome position (GRCh38, 1-based): chr16:74,774,676, A>T on the plus strand (T>A on the coding strand, the complement: FA2H is on the minus strand). VCF-style: chr16-74774676-A-T. GRCh37 (hg19) VCF-style: chr16-74808574-A-T.
Other names: short protein forms V27D.
Identifiers: ClinVar variation 853109 (VCV000853109.10), dbSNP rs1406286523, ClinGen allele CA396768456.

ClinVar aggregate classification (germline): Uncertain significance (1 of 4 stars; one submission).

Conditions:
Spastic paraplegia. Identifiers: MedGen C0037772, HP:0001258.

Allele frequency attached by ClinVar (database versions not stated): gnomAD 0.00001; TOPMed 0.00001.
gnomAD v4.1: 4 of 1,409,196 alleles (0.00028%); highest among the groups gnomAD compares: Non-Finnish European, 0.00037%; no homozygotes.

Submission:

Labcorp Genetics (formerly Invitae), Labcorp
Classification: Uncertain significance for Spastic paraplegia. Last evaluated: 2019-03-14. Review status: criteria provided, single submitter. Criteria: Invitae Variant Classification Sherloc (09022015). Collection method: clinical testing. Allele origin: germline.
Comment: The frequency data for this variant in the population databases is considered unreliable, as metrics indicate insufficient coverage at this position in the ExAC database. This variant has not been reported in the literature in individuals with FA2H-related conditions. This sequence change replaces valine with aspartic acid at codon 27 of the FA2H protein (p.Val27Asp). The valine residue is moderately conserved and there is a large physicochemical difference between valine and aspartic acid. In summary, the available evidence is currently insufficient to determine the role of this variant in disease. Therefore, it has been classified as a Variant of Uncertain Significance. Algorithms developed to predict the effect of missense changes on protein structure and function are either unavailable or do not agree on the potential impact of this missense change (SIFT: "Deleterious"; PolyPhen-2: "Probably Damaging"; Align-GVGD: "Class C0").